The following is an entry in ClinVar:

ClinVar aggregate classification (germline): Uncertain significance (1 of 4 stars; one submission).

Allele frequency attached by ClinVar (database versions not stated): TOPMed below 0.00001.

Submission:

Labcorp Genetics (formerly Invitae), Labcorp
Classification: Uncertain significance. Last evaluated: 2025-01-17. Review status: criteria provided, single submitter. Criteria: Invitae Variant Classification Sherloc (09022015). Collection method: clinical testing. Allele origin: germline.
Comment: This sequence change replaces glycine, which is neutral and non-polar, with aspartic acid, which is acidic and polar, at codon 628 of the TCF3 protein (p.Gly628Asp). This variant is not present in population databases (gnomAD no frequency). This variant has not been reported in the literature in individuals affected with TCF3-related conditions. ClinVar contains an entry for this variant (Variation ID: 2092171). Invitae Evidence Modeling of protein sequence and biophysical properties (such as structural, functional, and spatial information, amino acid conservation, physicochemical variation, residue mobility, and thermodynamic stability) indicates that this missense variant is not expected to disrupt TCF3 protein function with a negative predictive value of 80%. In summary, the available evidence is currently insufficient to determine the role of this variant in disease. Therefore, it has been classified as a Variant of Uncertain Significance.

NM_003200.5(TCF3):c.1883G>A (p.Gly628Asp)

Gene: TCF3 (transcription factor 3; minus strand). Cytogenetic location: 19p13.3.
Variant type: single nucleotide variant.
Coding change: c.1883G>A on transcript NM_003200.5 (MANE Select); coding-DNA position 1883, G replaced by A.
Protein change: p.Gly628Asp; replaces glycine 628 with aspartic acid.
Molecular consequence: missense variant.
Genome position (GRCh38, 1-based): chr19:1,611,789, C>T on the plus strand (G>A on the coding strand, the complement: TCF3 is on the minus strand). VCF-style: chr19-1611789-C-T. GRCh37 (hg19) VCF-style: chr19-1611788-C-T.
Other names: c.1874G>A, p.Gly625Asp (NM_001136139.4, NM_001351779.2); c.1880G>A, p.Gly627Asp (NM_001351778.2); short protein forms G627D, G625D, G628D.
Identifiers: ClinVar variation 2092171 (VCV002092171.4), dbSNP rs1568309127, ClinGen allele CA403048158.